The following is an entry in ClinVar:

NM_033118.4(MYLK2):c.1400G>A (p.Ser467Asn)

Gene: MYLK2 (myosin light chain kinase 2; plus strand). Cytogenetic location: 20q11.21.
Variant type: single nucleotide variant.
Coding change: c.1400G>A on transcript NM_033118.4 (MANE Select); coding-DNA position 1400, G replaced by A.
Protein change: p.Ser467Asn; replaces serine 467 with asparagine.
Molecular consequence: missense variant.
Genome position (GRCh38, 1-based): chr20:31,831,117, G>A. VCF-style: chr20-31831117-G-A. GRCh37 (hg19) VCF-style: chr20-30418920-G-A.
Other names: short protein forms S467N.
Identifiers: ClinVar variation 3228192 (VCV003228192.1), dbSNP rs2515460422, ClinGen allele CA408527806.

ClinVar aggregate classification (germline): Uncertain significance (1 of 4 stars; one submission).

Allele frequency attached by ClinVar (database versions not stated): gnomAD exomes below 0.00001.
gnomAD v4.1: 1 of 1,614,146 alleles (0.000062%); highest among the groups gnomAD compares: Non-Finnish European, 0.000085%; no homozygotes.

Submission:

Ambry Genetics
Classification: Uncertain significance. Last evaluated: 2024-03-04. Review status: criteria provided, single submitter. Criteria: Ambry Variant Classification Scheme 2023. Collection method: clinical testing. Allele origin: germline.
Comment: The p.S467N variant (also known as c.1400G>A), located in coding exon 9 of the MYLK2 gene, results from a G to A substitution at nucleotide position 1400. The serine at codon 467 is replaced by asparagine, an amino acid with highly similar properties. This amino acid position is conserved. In addition, the in silico prediction for this alteration is inconclusive. Based on the available evidence, the clinical significance of this alteration remains unclear.